The following is an entry in ClinVar:

ClinVar aggregate classification (germline): Conflicting classifications of pathogenicity. Review status: criteria provided, conflicting classifications (1 of 4 stars). 3 submissions from 3 submitters: Uncertain significance (2); Likely benign (1). Last evaluated 2025-12-21.

Conditions:
Tuberous sclerosis 1 (TSC1). Identifiers: Orphanet 805, MedGen C1854465, MONDO:0008612, OMIM 191100.
Tuberous sclerosis syndrome (TSC). Also called: Tuberous sclerosis; Tuberous Sclerosis Complex. Identifiers: Orphanet 805, MedGen C0041341, MONDO:0001734.

gnomAD v4.1: 27 of 1,613,892 alleles (0.0017%); highest among the groups gnomAD compares: Middle Eastern, 0.033%; no homozygotes.

Submissions (3):

Labcorp Genetics (formerly Invitae), Labcorp
Classification: Likely benign for Tuberous sclerosis 1. Last evaluated: 2025-12-21. Review status: criteria provided, single submitter. Criteria: Invitae Variant Classification Sherloc (09022015). Collection method: clinical testing. Allele origin: germline.

All of Us Research Program, National Institutes of Health
Classification: Uncertain significance for Tuberous sclerosis syndrome. Last evaluated: 2024-01-11. Review status: criteria provided, single submitter. Criteria: ACMG Guidelines, 2015. Collection method: clinical testing. Allele origin: germline. Inheritance: Autosomal dominant inheritance. Observed: 2 variant alleles, 2 heterozygotes.
Comment: This variant causes a T to G nucleotide substitution at the -11 position of intron 19 of the TSC1 gene. To our knowledge, functional studies have not been reported for this variant. This variant has not been reported in individuals affected with tuberous sclerosis complex in the literature. This variant has been identified in 1/251422 chromosomes in the general population by the Genome Aggregation Database (gnomAD). The available evidence is insufficient to determine the role of this variant in disease conclusively. Therefore, this variant is classified as a Variant of Uncertain Significance.

This study involves interpretation of variants in research participants for the purpose of population health screening. Participant phenotype was not available at the time of variant classification. Additional details can be found in publication PMID: 35346344, PMCID: PMC8962531

GeneDx
Classification: Uncertain significance. Last evaluated: 2020-02-11. Review status: criteria provided, single submitter. Criteria: GeneDx Variant Classification Process June 2021. Collection method: clinical testing. Allele origin: germline. Affected: yes.
Comment: Has not been previously published as pathogenic or benign to our knowledge; In-silico analysis, which includes splice predictors and evolutionary conservation, is inconclusive as to whether the variant alters gene splicing. In the absence of RNA/functional studies, the actual effect of this sequence change is unknown.

NM_000368.5(TSC1):c.2503-11T>G

Gene: TSC1 (TSC complex subunit 1; minus strand). Cytogenetic location: 9q34.13.
Variant type: single nucleotide variant.
Coding change: c.2503-11T>G on transcript NM_000368.5 (MANE Select); 11 bases into the intron before coding-DNA position 2503, T replaced by G.
Molecular consequence: intron variant.
Genome position (GRCh38, 1-based): chr9:132,900,848, A>C on the plus strand (T>G on the coding strand, the complement: TSC1 is on the minus strand). VCF-style: chr9-132900848-A-C. GRCh37 (hg19) VCF-style: chr9-135776235-A-C.
Other names: c.2140-11T>G (NM_001362177.2); c.2350-11T>G (NM_001162427.2); c.2500-11T>G (NM_001162426.2).
Identifiers: ClinVar variation 1304700 (VCV001304700.10), dbSNP rs201568350, ClinGen allele CA033006.
Genomic context (GRCh38, chr9:132,900,848, plus strand): 5'-TGCCTGTTCAAGAACTCCATCTGCTGCTGGACCGACTCACTGTTTGAGAGCTAACCAAAA[A>C]ACATGAGCAAAGTGAAAAATCCGACGACATAAAACTAGCACATAGACGTCATTAAACAGG-3'